The following is an entry in ClinVar:

NM_004656.4(BAP1):c.1371_1372insCCGTCTCCCTCTCCCGTCTCCCTCTCCCTCTCCCGTCTCCCTCACCCTCTCCCGTCTCCCTCTGCCTCTCCNNNNNNNNNNAAAAAAAAAAAAAAAAAAAAAAAGAGTCCCAGAAG (p.Asp458fs)

Gene: BAP1 (BRCA1 associated deubiquitinase 1; minus strand). Cytogenetic location: 3p21.1.
Variant type: Insertion.
Coding change: c.1371_1372insCCGTCTCCCTCTCCCGTCTCCCTCTCCCTCTCCCGTCTCCCTCACCCTCTCCCGTCTCCCTCTGCCTCTCCNNNNNNNNNNAAAAAAAAAAAAAAAAAAAAAAAGAGTCCCAGAAG on transcript NM_004656.4 (MANE Select); coding-DNA positions 1371 to 1372, CCGTCTCCCTCTCCCGTCTCCCTCTCCCTCTCCCGTCTCCCTCACCCTCTCCCGTCTCCCTCTGCCTCTCCNNNNNNNNNNAAAAAAAAAAAAAAAAAAAAAAAGAGTCCCAGAAG inserted.
Protein change: p.Asp458fs; shifts the reading frame from aspartic acid 458.
Molecular consequence: frameshift variant.
Genome position: GRCh38: chr3:52,403,788-52,403,789. GRCh37 (hg19): chr3:52,437,804-52,437,805.
Other names: c.1317_1318insCCGTCTCCCTCTCCCGTCTCCCTCTCCCTCTCCCGTCTCCCTCACCCTCTCCCGTCTCCCTCTGCCTCTCCNNNNNNNNNNAAAAAAAAAAAAAAAAAAAAAAAGAGTCCCAGAAG, p.Asp440fs (NM_001410772.1); short protein forms D440fs, D458fs.
Identifiers: ClinVar variation 3663331 (VCV003663331.2).

ClinVar aggregate classification (germline): Pathogenic (1 of 4 stars; one submission).

Conditions:
BAP1-related tumor predisposition syndrome (TPDS1). Also called: Tumor susceptibility linked to germline BAP1 mutations; COMMON Syndrome; TUMOR PREDISPOSITION SYNDROME 1; BAP1 tumor predisposition syndrome. Identifiers: Orphanet 289539, MedGen C3280492, MONDO:0013692, OMIM 614327.

Submission:

Labcorp Genetics (formerly Invitae), Labcorp
Classification: Pathogenic for BAP1-related tumor predisposition syndrome. Last evaluated: 2024-08-23. Review status: criteria provided, single submitter. Criteria: Invitae Variant Classification Sherloc (09022015). Collection method: clinical testing. Allele origin: germline.
Comment: This sequence change inserts a large fragment of DNA, likely a transposable element, in exon 13 of the BAP1 gene (c.1371_1372ins?), causing a frameshift at codon 458 (p.Asp458fs). The exact size and sequence of the insertion cannot be determined by the current assay. However, the insertion is expected to result in an absent or disrupted protein product. This variant is not present in population databases (gnomAD no frequency). This variant has not been reported in the literature in individuals affected with BAP1-related conditions. Retrotransposon insertions including LINE1 (L1), Alu, and SVA (SINE-VNTR-Alu) have been reported to be disease-causing through disruption of either a coding region or splice site (PMID: 19763152, 20307669, 22406018) and loss-of-function variants in BAP1 are known to be pathogenic (PMID: 21874000, 23684012). For these reasons, this variant has been classified as Pathogenic.

Literature cited by the submitters: PubMed 19763152; PubMed 20307669; PubMed 22406018; PubMed 21874000; PubMed 23684012.